The following is an entry in ClinVar:

ClinVar aggregate classification (germline): Pathogenic (1 of 4 stars; one submission).

Conditions:
Fanconi anemia (FA). Also called: Fanconi's anemia. Identifiers: Orphanet 84, MedGen C0015625, MeSH D005199, MONDO:0019391.

Allele frequency attached by ClinVar (database versions not stated): gnomAD exomes below 0.00001.
gnomAD v4.1: 2 of 1,614,110 alleles (0.00012%); highest among the groups gnomAD compares: Non-Finnish European, 0.00017%; no homozygotes.

Submission:

Labcorp Genetics (formerly Invitae), Labcorp
Classification: Pathogenic for Fanconi anemia. Last evaluated: 2025-12-26. Review status: criteria provided, single submitter. Criteria: Invitae Variant Classification Sherloc (09022015). Collection method: clinical testing. Allele origin: germline.
Comment: This sequence change creates a premature translational stop signal (p.Trp1224*) in the FANCA gene. It is expected to result in an absent or disrupted protein product. Loss-of-function variants in FANCA are known to be pathogenic (PMID: 19367192). This variant is not present in population databases (gnomAD no frequency). This premature translational stop signal has been observed in individual(s) with Fanconi anaemia (PMID: 36894310). ClinVar contains an entry for this variant (Variation ID: 1454081). For these reasons, this variant has been classified as Pathogenic.

Literature cited by the submitters: PubMed 19367192; PubMed 36894310.

NM_000135.4(FANCA):c.3672G>A (p.Trp1224Ter)

Gene: FANCA (FA complementation group A; minus strand). Cytogenetic location: 16q24.3.
Variant type: single nucleotide variant.
Coding change: c.3672G>A on transcript NM_000135.4 (MANE Select); coding-DNA position 3672, G replaced by A.
Protein change: p.Trp1224Ter; replaces tryptophan 1224 with a stop codon.
Molecular consequence: nonsense.
Genome position (GRCh38, 1-based): chr16:89,742,893, C>T on the plus strand (G>A on the coding strand, the complement: FANCA is on the minus strand). VCF-style: chr16-89742893-C-T. GRCh37 (hg19) VCF-style: chr16-89809301-C-T.
Other names: c.3672G>A, p.Trp1224Ter (NM_001286167.3); short protein forms W1224*.
Identifiers: ClinVar variation 1454081 (VCV001454081.6), dbSNP rs2143062233, ClinGen allele CA397485466.